The following is an entry in ClinVar:

ClinVar aggregate classification (germline): Pathogenic (0 of 4 stars; one submission).

Conditions:
Alstrom syndrome (ALMS). Identifiers: Orphanet 64, MedGen C0268425, MONDO:0008763, OMIM 203800.

Allele frequency attached by ClinVar (database versions not stated): gnomAD 0.00001.
gnomAD v4.1: 1 of 1,613,274 alleles (0.000062%); highest among the groups gnomAD compares: Non-Finnish European, 0.000085%; no homozygotes.

Submission:

Genome-Nilou Lab
Classification: Pathogenic for Alstrom syndrome. Last evaluated: 2021-04-26. Review status: no assertion criteria provided. Collection method: clinical testing. Allele origin: germline. Inheritance: Autosomal recessive inheritance. Affected: yes. Observed: 1 variant allele, 1 homozygote.

NM_001378454.1(ALMS1):c.11668+1G>A

Gene: ALMS1 (ALMS1 centrosome and basal body associated protein; plus strand). Cytogenetic location: 2p13.1.
Variant type: single nucleotide variant.
Coding change: c.11668+1G>A on transcript NM_001378454.1 (MANE Select); the canonical splice donor site of the intron after coding-DNA position 11668, G replaced by A.
Molecular consequence: splice donor variant.
Genome position (GRCh38, 1-based): chr2:73,599,522, G>A. VCF-style: chr2-73599522-G-A. GRCh37 (hg19) VCF-style: chr2-73826649-G-A.
Other names: c.11668+1G>A (NM_015120.4).
Identifiers: ClinVar variation 1065120 (VCV001065120.4), dbSNP rs1181992959, ClinGen allele CA347263229.
Genomic context (GRCh38, chr2:73,599,522, plus strand): 5'-CAAACTCTACTTTTTGCAACAAGCAGAATGTACACATGTTAAACAAGGGCATACAAGCAG[G>A]TAATTACTTGAATCTAAACTTTTTCATTGAAATACATTGAAATGGCTCTTAAACATGTAA-3'